The following is an entry in ClinVar:

ClinVar aggregate classification (germline): Likely pathogenic (1 of 4 stars; one submission).

Submission:

Labcorp Genetics (formerly Invitae), Labcorp
Classification: Likely pathogenic. Last evaluated: 2021-07-08. Review status: criteria provided, single submitter. Criteria: Invitae Variant Classification Sherloc (09022015). Collection method: clinical testing. Allele origin: germline.
Comment: In summary, the currently available evidence indicates that the variant is pathogenic, but additional data are needed to prove that conclusively. Therefore, this variant has been classified as Likely Pathogenic. A similar copy number variant has been observed in individual(s) with lissencephaly (PMID: 26494205, 26523152). In at least one individual the variant was observed to be de novo. This variant results in a copy number gain of the genomic region encompassing exon(s) 2 of the PAFAH1B1 gene. This region includes the initiator codon of the gene. The 5' end of this event is unknown as it extends beyond the assayed region for this gene and therefore may encompass additional genes. The 3' boundary is likely confined to intron 2 of the PAFAH1B1 gene. As the precise location of this event is unknown, it may be in tandem or it may be located elsewhere in the genome.

Literature cited by the submitters: PubMed 26494205; PubMed 26523152.

NC_000017.10:g.(?_2541583)_(2541634_?)dup

Gene: PAFAH1B1 (platelet activating factor acetylhydrolase 1b regulatory subunit 1; plus strand). Cytogenetic location: 17p13.3.
Variant type: Duplication.
Identifiers: ClinVar variation 1510040 (VCV001510040.4).